The following is an entry in ClinVar:

ClinVar aggregate classification (germline): Likely benign (1 of 4 stars; one submission).

gnomAD v4.1: 1 of 1,585,448 alleles (0.000063%); highest among the groups gnomAD compares: East Asian, 0.0023%; no homozygotes.

Submission:

CeGaT Center for Human Genetics Tuebingen
Classification: Likely benign. Last evaluated: 2026-02-01. Review status: criteria provided, single submitter. Criteria: CeGaT Center For Human Genetics Tuebingen Variant Classification Criteria Version 2. Collection method: clinical testing. Allele origin: germline. Affected: yes. Observed: 1 variant allele.
Comment: SLC4A10: BP4, BP7

NM_001178015.2(SLC4A10):c.2100G>C (p.Val700=)

Gene: SLC4A10 (solute carrier family 4 member 10; plus strand). Cytogenetic location: 2q24.2.
Variant type: single nucleotide variant.
Coding change: c.2100G>C on transcript NM_001178015.2 (MANE Select); coding-DNA position 2100, G replaced by C.
Protein change: p.Val700=; no amino-acid change (valine 700 retained).
Molecular consequence: synonymous variant.
Genome position (GRCh38, 1-based): chr2:161,942,894, G>C. VCF-style: chr2-161942894-G-C. GRCh37 (hg19) VCF-style: chr2-162799404-G-C.
Other names: c.2043G>C, p.Val681= (NM_001178016.2, NM_001354445.2); c.2100G>C, p.Val700= (NM_001354440.2); c.2133G>C, p.Val711= (NM_001354441.2, NM_001354442.2); c.2046G>C, p.Val682= (NM_001354443.2, NM_001354447.2); c.2097G>C, p.Val699= (NM_001354444.2); c.2010G>C, p.Val670= (NM_001354446.2, NM_001354450.2, NM_022058.4); c.2040G>C, p.Val680= (NM_001354448.2); c.2007G>C, p.Val669= (NM_001354449.2, NM_001354451.2); and 3 more.
Identifiers: ClinVar variation 4823318 (VCV004823318.4).
Genomic context (GRCh38, chr2:161,942,894, plus strand): 5'-GAAGGAATGGAGGGAATCCAATATTTCTGCCTCTGACATAATTTGGGAGAACCTAACTGT[G>C]TCAGTAAGTAAAACACTGAAAAATAAGTCATACCTAAGAGCTTTTGTTGACATTTTGACT-3'
Protein context (NP_001171486.1, residues 690-710): ASDIIWENLT[Val700=]SECKSLHGEY